The following is an entry in ClinVar:

NM_001102564.3(IFT43):c.328C>T (p.Gln110Ter)

Gene: IFT43 (intraflagellar transport 43; plus strand). Cytogenetic location: 14q24.3.
Variant type: single nucleotide variant.
Coding change: c.328C>T on transcript NM_001102564.3 (MANE Select); coding-DNA position 328, C replaced by T.
Protein change: p.Gln110Ter; replaces glutamine 110 with a stop codon.
Molecular consequence: nonsense. On other transcripts: non-coding transcript variant (2).
Genome position (GRCh38, 1-based): chr14:76,082,327, C>T. VCF-style: chr14-76082327-C-T. GRCh37 (hg19) VCF-style: chr14-76548670-C-T.
Other names: c.343C>T, p.Gln115Ter (NM_052873.3); short protein forms Q110*, Q115*.
Identifiers: ClinVar variation 1328283 (VCV001328283.10), dbSNP rs201794999, ClinGen allele CA7280842.

ClinVar aggregate classification (germline): Conflicting classifications of pathogenicity. Review status: criteria provided, conflicting classifications (1 of 4 stars). 5 submissions from 5 submitters: Pathogenic (1); Likely pathogenic (1); Uncertain significance (1). 2 of the submissions do not count toward it. Last evaluated 2025-12-19.

Conditions:
Cranioectodermal dysplasia 3 (CED3). Identifiers: Orphanet 1515, MedGen C3279807, MONDO:0013573, OMIM 614099.
Short-rib thoracic dysplasia 18 with polydactyly. Identifiers: MedGen C4693420, MONDO:0036483, OMIM 617866.
Retinitis pigmentosa 81 (RP81). Identifiers: MedGen C4693443, MONDO:0036482, OMIM 617871.

Allele frequency attached by ClinVar (database versions not stated): ExAC 0.00002; TOPMed 0.00002; gnomAD exomes 0.00003 and 0.00004; gnomAD 0.00007; ESP Exome Variant Server 0.00008.

Submissions (5):

Labcorp Genetics (formerly Invitae), Labcorp
Classification: Pathogenic. Last evaluated: 2025-12-19. Review status: criteria provided, single submitter. Criteria: Invitae Variant Classification Sherloc (09022015). Collection method: clinical testing. Allele origin: germline.
Comment: This sequence change creates a premature translational stop signal (p.Gln115*) in the IFT43 gene. It is expected to result in an absent or disrupted protein product. Loss-of-function variants in IFT43 are known to be pathogenic (PMID: 21378380, 28400947). This variant is present in population databases (rs201794999, gnomAD 0.02%). This variant has not been reported in the literature in individuals affected with IFT43-related conditions. ClinVar contains an entry for this variant (Variation ID: 1328283). For these reasons, this variant has been classified as Pathogenic.

Fulgent Genetics
Classification: Likely pathogenic for Cranioectodermal dysplasia 3; Short-rib thoracic dysplasia 18 with polydactyly; Retinitis pigmentosa 81. Last evaluated: 2024-03-14. Review status: criteria provided, single submitter. Criteria: ACMG Guidelines, 2015. Collection method: clinical testing. Allele origin: germline.

Blueprint Genetics
Classification: Uncertain significance. Last evaluated: 2023-03-20. Review status: criteria provided, single submitter. Criteria: ACMG Guidelines, 2015. Collection method: clinical testing. Allele origin: germline.

Clinical Genetics DNA and cytogenetics Diagnostics Lab, Erasmus MC, Erasmus Medical Center
Classification: Pathogenic. Review status: no assertion criteria provided. Collection method: clinical testing. Allele origin: germline. Affected: yes. Study: VKGL Data-share Consensus. Not counted in ClinVar's aggregate classification.

Laboratory of Diagnostic Genome Analysis, Leiden University Medical Center (LUMC)
Classification: Pathogenic. Review status: no assertion criteria provided. Collection method: clinical testing. Allele origin: germline. Affected: yes. Study: VKGL Data-share Consensus. Not counted in ClinVar's aggregate classification.

Literature cited by the submitters: PubMed 21378380 (cited by Labcorp Genetics (formerly Invitae), Labcorp); PubMed 28400947 (cited by Labcorp Genetics (formerly Invitae), Labcorp).